The following is an entry in ClinVar:

ClinVar aggregate classification (germline): Pathogenic. Review status: no assertion criteria provided (0 of 4 stars). 2 submissions from 1 submitter: Pathogenic (2).

Conditions:
Malignant tumor of breast. Also called: Malignant breast neoplasm; Cancer breast. Identifiers: MedGen C0006142, MONDO:0007254. Disease mechanism: loss of function.
Carcinoma of colon (CRC). Also called: Colonic carcinoma; Colon carcinoma. Identifiers: MedGen C0699790, MONDO:0002032.

Submissions (2):

Department of Pathology and Laboratory Medicine, Sinai Health System
Classification: Pathogenic for Carcinoma of colon. Review status: no assertion criteria provided. Collection method: clinical testing. Allele origin: unknown. Affected: yes. Study: The Canadian Open Genetics Repository (COGR).
Comment: The APC c.1-?_1958+?del variant results in a deletion of exons 1-14, although the precise breakpoints of this deletion were not determined, nor were the effects of this variant on the resulting mRNA or protein product determined. The variant was not identified in the literature, nor was it identified in the dbSNP, NHLBI Exome Sequencing Project (Exome Variant Server), HGMD, COSMIC, MutDB, â€šÃ„ÃºInSiGHT Colon Cancer Databaseâ€šÃ„Ã¹, â€šÃ„ÃºZhejiang Colon Cancer Databaseâ€šÃ„Ã¹, the ClinVar database, GeneInsight VariantWire database or the UMD database. This deletion is predicted to result in no production of the APC protein and loss of function. Loss of function variants of the APC gene are an established mechanism of disease in familial adenomatous polyposis and is the type of variant expected to cause the disorder. In summary, based on the above information, this variant meets our laboratoryâ€šÃ„Ã´s criteria to be classified as pathogenic.

Department of Pathology and Laboratory Medicine, Sinai Health System
Classification: Pathogenic for Malignant tumor of breast. Review status: no assertion criteria provided. Collection method: clinical testing. Allele origin: unknown. Affected: yes. Study: The Canadian Open Genetics Repository (COGR).
Comment: the same text as in the submission from Department of Pathology and Laboratory Medicine, Sinai Health System above.

NM_000038.6(APC):c.-2_135+1824del

Gene: APC (APC regulator of Wnt signaling pathway; plus strand). Cytogenetic location: 5q22.2.
Variant type: Deletion.
Coding change: c.-2_135+1824del on transcript NM_000038.6 (MANE Select); 2 bases upstream of the start codon through 1824 bases into the intron after coding-DNA position 135, 1,961 bases deleted.
Molecular consequence: splice donor variant, initiator codon variant. On other transcripts: intron variant (8).
Genome position (GRCh38, 1-based): chr5:112,754,889-112,756,849, 1,961 bases deleted. GRCh37 (hg19): chr5:112,090,586-112,092,546.
Other names: c.-2_135+1824del (NM_001354895.2, NM_001127510.3, NM_001354896.2 and 2 more transcripts); c.166-11437_166-9477del (NM_001354897.2, NM_001354902.2, NM_001127511.3); c.61-11437_61-9477del (NM_001354898.2, NM_001354904.2); c.-1037_-901+1824del (NM_001354906.2); c.-42-11437_-42-9477del (NM_001354900.2, NM_001354901.2, NM_001354905.2).
Identifiers: ClinVar variation 1049778 (VCV001049778.3), ClinGen allele CA2499217387.